The following is an entry in ClinVar:

ClinVar aggregate classification (germline): Pathogenic (1 of 4 stars; one submission).

Conditions:
Gray platelet syndrome (GPS). Also called: BLEEDING DISORDER, PLATELET-TYPE, 4. Identifiers: Orphanet 721, MedGen C0272302, MONDO:0007686, OMIM 139090.

Submission:

NIHR Bioresource Rare Diseases, University of Cambridge
Classification: Pathogenic for Gray platelet syndrome. Last evaluated: 2020-03-01. Review status: criteria provided, single submitter. Criteria: ACMG Guidelines, 2015. Collection method: research. Allele origin: unknown. Inheritance: Autosomal recessive inheritance. Affected: yes. Observed: 1 compound heterozygote.
Comment: ACMG criteria: PVS1, PM2, PP4

Literature cited by the submitters: PubMed 32693407.

NM_015175.3(NBEAL2):c.2751dup (p.Asp918Ter)

Gene: NBEAL2 (neurobeachin like 2; plus strand). Cytogenetic location: 3p21.31.
Variant type: Duplication.
Coding change: c.2751dup on transcript NM_015175.3 (MANE Select); coding-DNA position 2751, one base duplicated (T; older notation c.2751dupT).
Protein change: p.Asp918Ter; replaces aspartic acid 918 with a stop codon.
Molecular consequence: nonsense.
Genome position (GRCh38, 1-based): chr3:46,997,360, T duplicated. VCF-style (leftmost placement, unchanged base first): chr3-46997359-A-AT. GRCh37 (hg19) VCF-style: chr3-47038849-A-AT.
Other names: c.2649dup, p.Asp884Ter (NM_001365116.2); short protein forms D884*, D918*.
Identifiers: ClinVar variation 982272 (VCV000982272.1), dbSNP rs2036579205, ClinGen allele CA1139658050.